The following is an entry in ClinVar:

NM_001291415.2(KDM6A):c.2755A>G (p.Lys919Glu)

Gene: KDM6A (lysine demethylase 6A; plus strand). Cytogenetic location: Xp11.3.
Variant type: single nucleotide variant.
Coding change: c.2755A>G on transcript NM_001291415.2 (MANE Select); coding-DNA position 2755, A replaced by G.
Protein change: p.Lys919Glu; replaces lysine 919 with glutamic acid.
Molecular consequence: missense variant. On other transcripts: non-coding transcript variant (1).
Genome position (GRCh38, 1-based): chrX:45,070,254, A>G. VCF-style: chrX-45070254-A-G. GRCh37 (hg19) VCF-style: chrX-44929499-A-G.
Other names: c.2620A>G, p.Lys874Glu (NM_001291416.2, NM_001419811.1); c.2464A>G, p.Lys822Glu (NM_001291417.2); c.2362A>G, p.Lys788Glu (NM_001291418.2, NM_001419815.1); c.1711A>G, p.Lys571Glu (NM_001291421.2); c.2497A>G, p.Lys833Glu (NM_001410742.1, NM_001419814.1); c.2755A>G, p.Lys919Glu (NM_001419809.1); c.2653A>G, p.Lys885Glu (NM_001419810.1, NM_001419813.1); c.2599A>G, p.Lys867Glu (NM_001419812.1, NM_021140.4); short protein forms K571E, K788E, K822E, K833E, K867E, K874E, K885E, K919E.
Identifiers: ClinVar variation 3370263 (VCV003370263.1).

ClinVar aggregate classification (germline): Uncertain significance (1 of 4 stars; one submission).

Submission:

GeneDx
Classification: Uncertain significance. Last evaluated: 2024-01-02. Review status: criteria provided, single submitter. Criteria: GeneDx Variant Classification Process June 2021. Collection method: clinical testing. Allele origin: germline. Affected: yes.
Comment: Not observed at significant frequency in large population cohorts (gnomAD); In silico analysis supports that this missense variant has a deleterious effect on protein structure/function; Has not been previously published as pathogenic or benign to our knowledge